The following is an entry in ClinVar:

NM_014112.5(TRPS1):c.793A>G (p.Asn265Asp)

Gene: TRPS1 (transcriptional repressor GATA binding 1; minus strand). Cytogenetic location: 8q23.3.
Variant type: single nucleotide variant.
Coding change: c.793A>G on transcript NM_014112.5 (MANE Select); coding-DNA position 793, A replaced by G.
Protein change: p.Asn265Asp; replaces asparagine 265 with aspartic acid.
Molecular consequence: missense variant.
Genome position (GRCh38, 1-based): chr8:115,619,305, T>C on the plus strand (A>G on the coding strand, the complement: TRPS1 is on the minus strand). VCF-style: chr8-115619305-T-C. GRCh37 (hg19) VCF-style: chr8-116631532-T-C.
Other names: c.766A>G, p.Asn256Asp (NM_001282902.3); c.772A>G, p.Asn258Asp (NM_001282903.3); c.754A>G, p.Asn252Asp (NM_001330599.2); short protein forms N252D, N256D, N258D, N265D.
Identifiers: ClinVar variation 3384455 (VCV003384455.1).

ClinVar aggregate classification (germline): Uncertain significance (1 of 4 stars; one submission).

gnomAD v4.1: 2 of 1,614,176 alleles (0.00012%); highest among the groups gnomAD compares: Middle Eastern, 0.016%; no homozygotes.

Submission:

GeneDx
Classification: Uncertain significance. Last evaluated: 2024-05-29. Review status: criteria provided, single submitter. Criteria: GeneDx Variant Classification Process June 2021. Collection method: clinical testing. Allele origin: germline. Affected: yes.
Comment: Not observed at significant frequency in large population cohorts (gnomAD); In silico analysis indicates that this missense variant does not alter protein structure/function; Has not been previously published as pathogenic or benign to our knowledge